The following is an entry in ClinVar:

NM_004304.5(ALK):c.971A>G (p.Asn324Ser)

Gene: ALK (ALK receptor tyrosine kinase; minus strand). Cytogenetic location: 2p23.2.
Variant type: single nucleotide variant.
Coding change: c.971A>G on transcript NM_004304.5 (MANE Select); coding-DNA position 971, A replaced by G.
Protein change: p.Asn324Ser; replaces asparagine 324 with serine.
Molecular consequence: missense variant.
Genome position (GRCh38, 1-based): chr2:29,532,098, T>C on the plus strand (A>G on the coding strand, the complement: ALK is on the minus strand). VCF-style: chr2-29532098-T-C. GRCh37 (hg19) VCF-style: chr2-29754964-T-C.
Other names: short protein forms N324S.
Identifiers: ClinVar variation 580126 (VCV000580126.8), dbSNP rs1558370621, ClinGen allele CA346587554.

ClinVar aggregate classification (germline): Uncertain significance (1 of 4 stars; one submission).

Conditions:
Neuroblastoma, susceptibility to, 3. Also called: ALK-Related Neuroblastic Tumor Susceptibility. Identifiers: Orphanet 635, MedGen C2751681, MONDO:0013083, OMIM 613014.

Submission:

Labcorp Genetics (formerly Invitae), Labcorp
Classification: Uncertain significance for Neuroblastoma, susceptibility to, 3. Last evaluated: 2018-05-30. Review status: criteria provided, single submitter. Criteria: Invitae Variant Classification Sherloc (09022015). Collection method: clinical testing. Allele origin: germline.
Comment: In summary, the available evidence is currently insufficient to determine the role of this variant in disease. Therefore, it has been classified as a Variant of Uncertain Significance. Algorithms developed to predict the effect of sequence changes on RNA splicing suggest that this variant may create or strengthen a splice site, but this prediction has not been confirmed by published transcriptional studies. This sequence change replaces asparagine with serine at codon 324 of the ALK protein (p.Asn324Ser). The asparagine residue is moderately conserved and there is a small physicochemical difference between asparagine and serine. This variant is not present in population databases (ExAC no frequency). This variant has not been reported in the literature in individuals with ALK-related disease. Algorithms developed to predict the effect of missense changes on protein structure and function do not agree on the potential impact of this missense change (SIFT: "Deleterious"; PolyPhen-2: "Probably Damaging"; Align-GVGD: "Class C0").